The following is an entry in ClinVar:

ClinVar aggregate classification (germline): Uncertain significance. Review status: criteria provided, single submitter (1 of 4 stars). 2 submissions from 1 submitter: Uncertain significance (2). Last evaluated 2017-01-01.

Conditions:
Patent foramen ovale. Identifiers: MedGen C0016522, MONDO:0020439, HP:0001655.
Coronary artery disorder. Also called: Coronary artery disease; Disorder of coronary artery. Identifiers: MedGen C1956346, MeSH D003324, MONDO:0005010.
Middle cerebral artery stenosis. Identifiers: MedGen C1504568, HP:0012493.
Stroke disorder. Also called: Stroke. Identifiers: MedGen C0038454, MeSH D020521, MONDO:0005098, HP:0001297.
Atrial septal dilatation. Also called: Atrial septal aneurysm. Identifiers: Orphanet 99107, MedGen C4476553, MONDO:0020438, HP:0011995.
Carotid artery stenosis. Also called: Carotid stenosis. Identifiers: MedGen C0007282, MONDO:0001612, HP:0100546.

Submissions (2):

Centre for Mendelian Genomics, University Medical Centre Ljubljana
Classification: Uncertain significance for Atrial septal dilatation; Carotid artery stenosis; Coronary artery atherosclerosis; Middle cerebral artery stenosis; Patent foramen ovale; Stroke disorder. Last evaluated: 2017-01-01. Review status: criteria provided, single submitter. Criteria: ACMG Guidelines, 2015. Collection method: clinical testing. Allele origin: unknown. Affected: yes.

Centre for Mendelian Genomics, University Medical Centre Ljubljana
Classification: Uncertain significance. Last evaluated: 2016-01-01. Review status: criteria provided, single submitter. Criteria: ACMG Guidelines, 2015. Collection method: clinical testing. Allele origin: unknown. Affected: yes.
Comment: This variant was classified as: Uncertain significance.

NM_001256071.3(RNF213):c.11659A>G (p.Lys3887Glu)

Genes: RNF213 (ring finger protein 213; plus strand), RNF213-AS1 (RNF213 antisense RNA 1; minus strand). Cytogenetic location: 17q25.3.
Variant type: single nucleotide variant.
Coding change: c.11659A>G on transcript NM_001256071.3 (MANE Select); coding-DNA position 11659, A replaced by G.
Protein change: p.Lys3887Glu; replaces lysine 3887 with glutamic acid.
Molecular consequence: missense variant.
Genome position (GRCh38, 1-based): chr17:80,363,699, A>G. VCF-style: chr17-80363699-A-G. GRCh37 (hg19) VCF-style: chr17-78337499-A-G.
Other names: short protein forms K3887E.
Identifiers: ClinVar variation 523426 (VCV000523426.4), dbSNP rs1555673862, ClinGen allele CA401408252.